The following is an entry in ClinVar:

NM_003850.3(SUCLA2):c.811A>G (p.Met271Val)

Gene: SUCLA2 (succinate-CoA ligase ADP-forming subunit beta; minus strand). Cytogenetic location: 13q14.2.
Variant type: single nucleotide variant.
Coding change: c.811A>G on transcript NM_003850.3 (MANE Select); coding-DNA position 811, A replaced by G.
Protein change: p.Met271Val; replaces methionine 271 with valine.
Molecular consequence: missense variant.
Genome position (GRCh38, 1-based): chr13:47,954,549, T>C on the plus strand (A>G on the coding strand, the complement: SUCLA2 is on the minus strand). VCF-style: chr13-47954549-T-C. GRCh37 (hg19) VCF-style: chr13-48528684-T-C.
Other names: p.Met271Val; short protein forms M271V.
Identifiers: ClinVar variation 203946 (VCV000203946.24), dbSNP rs142020748, ClinGen allele CA313000.

ClinVar aggregate classification (germline): Benign/Likely benign. Review status: criteria provided, multiple submitters, no conflicts (2 of 4 stars). 7 submissions from 7 submitters: Benign (4); Likely benign (3). Last evaluated 2026-02-02.

Conditions:
Mitochondrial DNA depletion syndrome, encephalomyopathic form with methylmalonic aciduria (MTDPS5). Also called: Mitochondrial encephalomyopathy aminoacidopathy; MITOCHONDRIAL DNA DEPLETION SYNDROME, ENCEPHALOMYOPATHIC FORM, WITH OR WITHOUT METHYLMALONIC ACIDURIA, AUTOSOMAL RECESSIVE, SUCLA2-RELATED; Mitochondrial DNA depletion syndrome 5 (encephalomyopathic with or without methylmalonic aciduria); SUCLA2-Related Mitochondrial DNA Depletion Syndrome, Encephalomyopathic Form with Methylmalonic Aciduria. Identifiers: Orphanet 1933, MedGen C5980207, MONDO:0012791, OMIM 612073.

Allele frequency attached by ClinVar (database versions not stated): ESP Exome Variant Server 0.00015; gnomAD exomes 0.00058 and 0.00263; 1000 Genomes Project 0.00100; 1000 Genomes Project 30x 0.00125; ExAC 0.00173; gnomAD 0.00220 and 0.00221; TOPMed 0.00287.
gnomAD v4.1: 1,175 of 1,613,596 alleles (0.073%); highest among the groups gnomAD compares: Admixed American, 1.8%; 15 homozygotes.

Submissions (8):

Labcorp Genetics (formerly Invitae), Labcorp
Classification: Benign for Mitochondrial DNA depletion syndrome, encephalomyopathic form with methylmalonic aciduria. Last evaluated: 2026-02-02. Review status: criteria provided, single submitter. Criteria: Invitae Variant Classification Sherloc (09022015). Collection method: clinical testing. Allele origin: germline.

Blueprint Genetics
Classification: Likely benign. Last evaluated: 2024-06-07. Review status: criteria provided, single submitter. Criteria: ACMG Guidelines, 2015. Collection method: clinical testing. Allele origin: germline.

Mayo Clinic Laboratories, Mayo Clinic
Classification: Benign. Last evaluated: 2024-04-12. Review status: criteria provided, single submitter. Criteria: ACMG Guidelines, 2015. Collection method: clinical testing. Allele origin: germline. Observed: 12 variant alleles.
Comment: BA1, BS2, BP4

GeneDx
Classification: Benign. Last evaluated: 2020-04-13. Review status: criteria provided, single submitter. Criteria: GeneDx Variant Classification Process June 2021. Collection method: clinical testing. Allele origin: germline. Affected: yes.
Comment: This variant is associated with the following publications: (PMID: 27456059)

Illumina Laboratory Services, Illumina
Classification: Benign for Mitochondrial DNA depletion syndrome, encephalomyopathic form with methylmalonic aciduria. Last evaluated: 2018-01-13. Review status: criteria provided, single submitter. Criteria: ICSL Variant Classification Criteria 13 December 2019. Collection method: clinical testing. Allele origin: germline.
Comment: This variant was observed in the ICSL laboratory as part of a predisposition screen in an ostensibly healthy population. It had not been previously curated by ICSL or reported in the Human Gene Mutation Database (HGMD: prior to June 1st, 2018), and was therefore a candidate for classification through an automated scoring system. Utilizing variant allele frequency, disease prevalence and penetrance estimates, and inheritance mode, an automated score was calculated to assess if this variant is too frequent to cause the disease. Based on the score and internal cut-off values, a variant classified as benign is not then subjected to further curation. The score for this variant resulted in a classification of benign for this disease.

Center for Pediatric Genomic Medicine, Children's Mercy Hospital and Clinics
Classification: Likely benign. Last evaluated: 2016-10-13. Review status: criteria provided, single submitter. Criteria: ACMG Guidelines, 2015. Collection method: clinical testing. Allele origin: germline.
ClinVar note: Converted during submission from Likely Benign to Likely benign.

Breakthrough Genomics
Classification: Likely benign. Review status: criteria provided, single submitter. Criteria: ACMG Guidelines, 2015. Collection method: not provided. Allele origin: germline. Inheritance: Autosomal recessive inheritance. Affected: yes.

Dr. Peter K. Rogan Lab, Western University
No classification provided (evidence only). Condition: Ovarian serous cystadenocarcinoma. Review status: no classification provided. Collection method: in vitro. Allele origin: not applicable. Functional consequence: retained intron. Not counted in ClinVar's aggregate classification.